The following is an entry in ClinVar:

ClinVar aggregate classification (germline): Conflicting classifications of pathogenicity. Review status: criteria provided, conflicting classifications (1 of 4 stars). 3 submissions from 3 submitters: Uncertain significance (1); Likely benign (1). 1 of the submissions does not count toward it. Last evaluated 2026-01-19.

Conditions:
CC2D2A-related disorder. Also called: CC2D2A-related disorders; CC2D2A-related condition. Identifiers: MedGen CN239313.
Joubert syndrome. Also called: Familial aplasia of the vermis; JOUBERT-BOLTSHAUSER SYNDROME. Identifiers: Orphanet 475, MedGen C5979921, MONDO:0018772.
Meckel-Gruber syndrome. Also called: Dysencephalia splachnocystica; DYSENCEPHALIA SPLANCHNOCYSTICA; GRUBER SYNDROME. Identifiers: Orphanet 564, MedGen C0265215, MONDO:0018921.

Allele frequency attached by ClinVar (database versions not stated): gnomAD exomes 0.00002 and 0.00006; gnomAD 0.00004; TOPMed 0.00005; ExAC 0.00006.
gnomAD v4.1: 31 of 1,592,150 alleles (0.0019%); highest among the groups gnomAD compares: East Asian, 0.038%; no homozygotes.

Submissions (3):

Labcorp Genetics (formerly Invitae), Labcorp
Classification: Likely benign for Joubert syndrome; Meckel-Gruber syndrome. Last evaluated: 2026-01-19. Review status: criteria provided, single submitter. Criteria: Invitae Variant Classification Sherloc (09022015). Collection method: clinical testing. Allele origin: germline.

Eurofins Ntd Llc (ga)
Classification: Uncertain significance. Last evaluated: 2015-06-29. Review status: criteria provided, single submitter. Criteria: EGL Classification Definitions 2015. Collection method: clinical testing. Allele origin: germline. Observed: 1 variant allele, 1 heterozygote.

PreventionGenetics, part of Exact Sciences
Classification: Likely benign for CC2D2A-related condition. Last evaluated: 2021-12-29. Review status: no assertion criteria provided. Collection method: clinical testing. Allele origin: germline. Not counted in ClinVar's aggregate classification.
Comment: This variant is classified as likely benign based on ACMG/AMP sequence variant interpretation guidelines (Richards et al. 2015 PMID: 25741868, with internal and published modifications).

NM_001378615.1(CC2D2A):c.3501C>T (p.Asp1167=)

Genes: CC2D2A (coiled-coil and C2 domain containing 2A; plus strand), FBXL5 (F-box and leucine rich repeat protein 5; minus strand). Cytogenetic location: 4p15.32.
Variant type: single nucleotide variant.
Coding change: c.3501C>T on transcript NM_001378615.1 (MANE Select); coding-DNA position 3501, C replaced by T.
Protein change: p.Asp1167=; no amino-acid change (aspartic acid 1167 retained).
Molecular consequence: synonymous variant.
Genome position (GRCh38, 1-based): chr4:15,570,403, C>T. VCF-style: chr4-15570403-C-T. GRCh37 (hg19) VCF-style: chr4-15572026-C-T.
Other names: c.3501C>T, p.Asp1167= (NM_001080522.2); c.3354C>T, p.Asp1118= (NM_001378617.1).
Identifiers: ClinVar variation 281573 (VCV000281573.12), dbSNP rs779304750, ClinGen allele CA2864190.
Genomic context (GRCh38, chr4:15,570,403, plus strand): 5'-ATTAAATGAGTTTCTGGAGTTCTTAAGCAATTATTACTTCCCACCCTTCCTTTAGGATGA[C>T]CGTGAAAGAGGAAGTGGAATCCATACTCGTATTGAGAGACACTGGCTGGGATGTGTGAAA-3'
Protein context (NP_001365544.1, residues 1157-1177): DEVLHDVLED[Asp1167=]RERGSGIHTR